The following is an entry in ClinVar:

NM_144672.4(OTOA):c.1205T>C (p.Leu402Pro)

Gene: OTOA (otoancorin). Cytogenetic location: 16p12.2.
Variant type: single nucleotide variant.
Coding change: c.1205T>C on transcript NM_144672.4 (MANE Select); coding-DNA position 1205, T replaced by C.
Protein change: p.Leu402Pro; replaces leucine 402 with proline.
Molecular consequence: missense variant.
Genome position (GRCh38, 1-based): chr16:21,709,988, T>C. VCF-style: chr16-21709988-T-C. GRCh37 (hg19) VCF-style: chr16-21721309-T-C.
Other names: c.968T>C, p.Leu323Pro (NM_001161683.2); c.233T>C, p.Leu78Pro (NM_170664.3); short protein forms L402P, L323P, L78P.
Identifiers: ClinVar variation 5008076 (VCV005008076.1).
Genomic context (GRCh38, chr16:21,709,988, plus strand): 5'-CCCTCAATGAGACCCTGGGTTCTTTGTCGGATGCAGTTGTAGGTTTGACCTACAGCCAAC[T>C]GGAATCCCTCTCCCCCGAGGCTGTGCACGGAGCCATCTCCACCCTCAACCAGGTCTCAGG-3'
Protein context (NP_653273.3, residues 392-412): DAVVGLTYSQ[Leu402Pro]ESLSPEAVHG

ClinVar aggregate classification (germline): Uncertain significance (1 of 4 stars; one submission).

Submission:

GeneDx
Classification: Uncertain significance. Last evaluated: 2026-03-02. Review status: criteria provided, single submitter. Criteria: GeneDx Variant Classification Process June 2021. Collection method: clinical testing. Allele origin: germline.
Comment: Not observed at significant frequency in large population cohorts (gnomAD); In silico analysis supports that this missense variant has a deleterious effect on protein structure/function; Has not been previously published as pathogenic or benign to our knowledge